The following is an entry in ClinVar:

ClinVar aggregate classification (germline): Pathogenic/Likely pathogenic. Review status: criteria provided, multiple submitters, no conflicts (2 of 4 stars). 10 submissions from 10 submitters: Pathogenic (2); Likely pathogenic (5). 3 of the submissions do not count toward it. Last evaluated 2026-10-13.

Conditions:
Heterotaxy, visceral, 7, autosomal (HTX7). Identifiers: Orphanet 450, MedGen C4225217, MONDO:0014762, OMIM 616749.
Visceral heterotaxy. Also called: Heterotaxy syndrome; Heterotaxia. Identifiers: Orphanet 450, MedGen C3178805, MONDO:0018677.
MMP21-related disorder. Also called: MMP21-related condition.

Allele frequency attached by ClinVar (database versions not stated): gnomAD 0.00016; ESP Exome Variant Server 0.00046; TOPMed 0.00018; ExAC 0.00021.
gnomAD v4.1: 184 of 1,614,008 alleles (0.011%); highest among the groups gnomAD compares: Non-Finnish European, 0.015%; no homozygotes.

Submissions (10):

GeneDx
Classification: Likely pathogenic. Last evaluated: 2026-10-13. Review status: criteria provided, single submitter. Criteria: GeneDx Variant Classification Process June 2021. Collection method: clinical testing. Allele origin: germline.
Comment: Identified in trans with a second MMP21 variant in a patient with heterotaxy in published literature (Westphal et al., 2019); Nonsense variant in the C-terminus predicted to result in protein truncation, as the last 112 amino acids are lost, and other loss-of-function variants have been reported downstream in the published literature.; This variant is associated with the following publications: (PMID: 31980526, 26437028, 30868567, 33726816)

Dasa
Classification: Likely pathogenic for Heterotaxy, visceral, 7, autosomal. Last evaluated: 2025-03-17. Review status: criteria provided, single submitter. Criteria: DASA Assertion Criteria. Collection method: clinical testing. Allele origin: germline.
Comment: NM_147191.1(MMP21):c.1372C>T (p.Arg458*) is a nonsense variant in MMP21 predicted to introduce a premature termination codon and is predicted to result in an absent or altered protein product. Loss of function is an established disease mechanism for MMP21-associated disorders. This variant has been reported in individuals with MMP21-related disorders (PMID: 26437028). Also, this variant is rare in population databases. Based on the currently available evidence, this variant is classified as likely pathogenic.

Blueprint Genetics
Classification: Likely pathogenic for MMP21-related disorders. Last evaluated: 2023-08-09. Review status: criteria provided, single submitter. Criteria: ACMG Guidelines, 2015. Collection method: clinical testing. Allele origin: germline. Affected: yes. Observed: 5 variant alleles.

Institute of Medical Genetics and Applied Genomics, University Hospital Tübingen
Classification: Pathogenic. Last evaluated: 2021-09-15. Review status: criteria provided, single submitter. Criteria: ACMG Guidelines, 2015. Collection method: clinical testing. Allele origin: germline. Inheritance: Autosomal recessive inheritance. Affected: yes.

Revvity Omics, Revvity
Classification: Likely pathogenic for Heterotaxy, visceral, 7, autosomal. Last evaluated: 2020-05-30. Review status: criteria provided, single submitter. Criteria: ACMG Guidelines, 2015. Collection method: clinical testing. Allele origin: germline.

Laboratory for Molecular Medicine, Mass General Brigham Personalized Medicine
Classification: Likely pathogenic for Visceral heterotaxy. Last evaluated: 2018-12-13. Review status: criteria provided, single submitter. Criteria: LMM Criteria. Collection method: clinical testing. Allele origin: germline. Inheritance: Autosomal recessive inheritance. Observed: 1 variant allele.
Comment: The p.Arg458X variant in MMP21 has been identified in the compound heterozygous state with another variant in MMP21 in one individual with heterotaxy (GeneDx pe rs. comm.) and in the heterozygous state in 2 individuals with heterotaxy (Guimi er 20115). It has also been identified in 0.03% (38/128942) of European chromoso mes by gnomAD. Although this variant has been seen in the general population, its frequency is low enough to be consistent wi th a recessive carrier frequency. This nonsense variant leads to a premature ter mination codon at position 458. This alteration occurs within the terminal 50 ba ses of the second to last exon and is, therefore, predicted to escape nonsense m ediated decay (NMD) and result in a truncated protein. Please note, additional t runcating variants downstream of this variant have been reported in the compound heterozygous state in individuals with heterotaxy and biallelic loss of functio n of MMP21 is been strongly associated with heterotaxy. In summary, although add itional studies are required to fully establish its clinical significance, this variant meets criteria to be classified as likely pathogenic for heterotaxy in a n autosomal recessive manner. ACMG/AMP Criteria applied: PVS1_Strong, PM2_Suppor ting, PM3_Supporting.

Institute of Human Genetics Munich, TUM University Hospital
Classification: Pathogenic for Heterotaxy, visceral, 7, autosomal. Last evaluated: 2017-06-07. Review status: criteria provided, single submitter. Criteria: Classification criteria August 2017. Collection method: clinical testing. Allele origin: paternal. Inheritance: Autosomal recessive inheritance. Affected: yes. Observed: 1 compound heterozygote.

Diagnostic Laboratory, Department of Genetics, University Medical Center Groningen
Classification: Pathogenic. Review status: no assertion criteria provided. Collection method: clinical testing. Allele origin: germline. Affected: yes. Study: VKGL Data-share Consensus. Not counted in ClinVar's aggregate classification.

Genome Diagnostics Laboratory, University Medical Center Utrecht
Classification: Pathogenic. Review status: no assertion criteria provided. Collection method: clinical testing. Allele origin: germline. Affected: yes. Study: VKGL Data-share Consensus. Not counted in ClinVar's aggregate classification.

Laboratory of Diagnostic Genome Analysis, Leiden University Medical Center (LUMC)
Classification: Likely pathogenic. Review status: no assertion criteria provided. Collection method: clinical testing. Allele origin: germline. Affected: yes. Study: VKGL Data-share Consensus. Not counted in ClinVar's aggregate classification.

Literature cited by the submitters: PubMed 26437028 (cited by Dasa and Laboratory for Molecular Medicine, Mass General Brigham Personalized Medicine).

NM_147191.1(MMP21):c.1372C>T (p.Arg458Ter)

Gene: MMP21 (matrix metallopeptidase 21; minus strand). Cytogenetic location: 10q26.2.
Variant type: single nucleotide variant.
Coding change: c.1372C>T on transcript NM_147191.1 (MANE Select); coding-DNA position 1372, C replaced by T.
Protein change: p.Arg458Ter; replaces arginine 458 with a stop codon.
Molecular consequence: nonsense.
Genome position (GRCh38, 1-based): chr10:125,767,570, G>A on the plus strand (C>T on the coding strand, the complement: MMP21 is on the minus strand). VCF-style: chr10-125767570-G-A. GRCh37 (hg19) VCF-style: chr10-127456139-G-A.
Other names: short protein forms R458*.
Identifiers: ClinVar variation 265317 (VCV000265317.26), dbSNP rs145119918, ClinGen allele CA5737934.